The following is an entry in ClinVar:

ClinVar aggregate classification (germline): Pathogenic (1 of 4 stars; one submission).

Submission:

Labcorp Genetics (formerly Invitae), Labcorp
Classification: Pathogenic. Last evaluated: 2023-04-18. Review status: criteria provided, single submitter. Criteria: Invitae Variant Classification Sherloc (09022015). Collection method: clinical testing. Allele origin: germline.
Comment: For these reasons, this variant has been classified as Pathogenic. This variant has not been reported in the literature in individuals affected with ITGA6-related conditions. This variant is not present in population databases (gnomAD no frequency). This sequence change creates a premature translational stop signal (p.Arg294Glufs*3) in the ITGA6 gene. It is expected to result in an absent or disrupted protein product. Loss-of-function variants in ITGA6 are known to be pathogenic (PMID: 9158140, 9185503, 9804362, 27607025).

Literature cited by the submitters: PubMed 9158140; PubMed 9185503; PubMed 9804362; PubMed 27607025.

NM_000210.4(ITGA6):c.880del (p.Arg294fs)

Genes: ITGA6 (integrin subunit alpha 6; plus strand), PDK1-AS1 (PDK1 and ITGA6 antisense RNA 1; minus strand). Cytogenetic location: 2q31.1.
Variant type: Deletion.
Coding change: c.880del on transcript NM_000210.4 (MANE Select); coding-DNA position 880, one base deleted (A; older notation c.880delA).
Protein change: p.Arg294fs; shifts the reading frame from arginine 294.
Molecular consequence: frameshift variant.
Genome position (GRCh38, 1-based): chr2:172,474,159, A deleted. VCF-style (leftmost placement, unchanged base first): chr2-172474158-GA-G. GRCh37 (hg19) VCF-style: chr2-173338886-GA-G.
Other names: c.880del, p.Arg294fs (NM_001079818.3, NM_001365529.2, NM_001365530.2); c.523del, p.Arg175fs (NM_001316306.2); c.997del, p.Arg333fs (NM_001394928.1); short protein forms R333fs, R294fs, R175fs.
Identifiers: ClinVar variation 2857384 (VCV002857384.3), dbSNP rs2468314046, ClinGen allele CA2739271646.
Genomic context (GRCh38, chr2:172,474,158, plus strand): 5'-GATCACTTTTGTATCTGGTGCTCCCAGAGCCAATCACAGTGGAGCCGTGGTTTTGCTGAA[GA>G]GAGACATGAAGTCTGCACATCTCCTCCCTGAGCACATATTCGATGGAGAAGGTCTGGCCT-3'